The following is an entry in ClinVar:

ClinVar aggregate classification (germline): Uncertain significance (1 of 4 stars; one submission).

Conditions:
Inborn genetic diseases. Identifiers: MedGen C0950123, MeSH D030342.

Submission:

Ambry Genetics
Classification: Uncertain significance for Inborn genetic diseases. Last evaluated: 2026-08-28. Review status: criteria provided, single submitter. Criteria: Ambry Variant Classification Scheme 2023. Collection method: clinical testing. Allele origin: germline.
Comment: The p.D722E variant (also known as c.2166C>A), located in coding exon 12 of the BMPR2 gene, results from a C to A substitution at nucleotide position 2166. The aspartic acid at codon 722 is replaced by glutamic acid, an amino acid with highly similar properties. This amino acid position is conserved. In addition, this alteration is predicted to be tolerated by in silico analysis. Based on the available evidence, the clinical significance of this variant remains unclear.

NM_001204.7(BMPR2):c.2166C>A (p.Asp722Glu)

Gene: BMPR2 (bone morphogenetic protein receptor type 2; plus strand). Cytogenetic location: 2q33.2.
Variant type: single nucleotide variant.
Coding change: c.2166C>A on transcript NM_001204.7 (MANE Select); coding-DNA position 2166, C replaced by A.
Protein change: p.Asp722Glu; replaces aspartic acid 722 with glutamic acid.
Molecular consequence: missense variant.
Genome position (GRCh38, 1-based): chr2:202,555,831, C>A. VCF-style: chr2-202555831-C-A. GRCh37 (hg19) VCF-style: chr2-203420554-C-A.
Other names: short protein forms D722E.
Identifiers: ClinVar variation 5033127 (VCV005033127.1).